The following is an entry in ClinVar:

NM_000329.3(RPE65):c.998G>A (p.Gly333Glu)

Gene: RPE65 (retinoid isomerohydrolase RPE65; minus strand). Cytogenetic location: 1p31.3.
Variant type: single nucleotide variant.
Coding change: c.998G>A on transcript NM_000329.3 (MANE Select); coding-DNA position 998, G replaced by A.
Protein change: p.Gly333Glu; replaces glycine 333 with glutamic acid.
Molecular consequence: missense variant.
Genome position (GRCh38, 1-based): chr1:68,438,942, C>T on the plus strand (G>A on the coding strand, the complement: RPE65 is on the minus strand). VCF-style: chr1-68438942-C-T. GRCh37 (hg19) VCF-style: chr1-68904625-C-T.
Other names: short protein forms G333E.
Identifiers: ClinVar variation 1427926 (VCV001427926.6), dbSNP rs1173207597, ClinGen allele CA340744554.
Genomic context (GRCh38, chr1:68,438,942, plus strand): 5'-AAACCCCGTAATTTCCAGGAACAATGGGAGGTGTCCCATTTGTCCAGTGTCCTTTCTTAC[C>T]CTTTCCAGCAGCAGAGATCCACAATCAGAAACCCATTGTCTTCATAGGTGTTGATGTGAT-3'
Protein context (NP_000320.1, residues 323-343): FLIVDLCCWK[Gly333Glu]FEFVYNYLYL

ClinVar aggregate classification (germline): Uncertain significance (1 of 4 stars; one submission).

Conditions:
Leber congenital amaurosis 2 (LCA2). Also called: AMAUROSIS CONGENITA OF LEBER II; Autosomal Recessive RPE65-Related Retinal Degeneration. Identifiers: Orphanet 65, MedGen C1859844, MONDO:0008765, OMIM 204100. Disease mechanism: loss of function.
Retinitis pigmentosa 20 (RP20). Identifiers: Orphanet 791, MedGen C3151086, MONDO:0013425, OMIM 613794.

gnomAD v4.1: 1 of 1,613,920 alleles (0.000062%); highest among the groups gnomAD compares: Non-Finnish European, 0.000085%; no homozygotes.

Submission:

Labcorp Genetics (formerly Invitae), Labcorp
Classification: Uncertain significance for Leber congenital amaurosis 2; Retinitis pigmentosa 20. Last evaluated: 2023-11-27. Review status: criteria provided, single submitter. Criteria: Invitae Variant Classification Sherloc (09022015). Collection method: clinical testing. Allele origin: germline.
Comment: This sequence change replaces glycine, which is neutral and non-polar, with glutamic acid, which is acidic and polar, at codon 333 of the RPE65 protein (p.Gly333Glu). This variant also falls at the last nucleotide of exon 9, which is part of the consensus splice site for this exon. This variant is not present in population databases (gnomAD no frequency). This variant has not been reported in the literature in individuals affected with RPE65-related conditions. ClinVar contains an entry for this variant (Variation ID: 1427926). An algorithm developed to predict the effect of missense changes on protein structure and function (PolyPhen-2) suggests that this variant is likely to be disruptive. Variants that disrupt the consensus splice site are a relatively common cause of aberrant splicing (PMID: 17576681, 9536098). Algorithms developed to predict the effect of sequence changes on RNA splicing suggest that this variant may disrupt the consensus splice site. In summary, the available evidence is currently insufficient to determine the role of this variant in disease. Therefore, it has been classified as a Variant of Uncertain Significance.

Literature cited by the submitters: PubMed 17576681; PubMed 9536098.